The following is an entry in ClinVar:

NM_001267550.2(TTN):c.79801G>T (p.Gly26601Ter)

Genes: TTN (titin; minus strand), TTN-AS1 (TTN antisense RNA 1; plus strand). Cytogenetic location: 2q31.2.
Variant type: single nucleotide variant.
Coding change: c.79801G>T on transcript NM_001267550.2 (MANE Select); coding-DNA position 79801, G replaced by T.
Protein change: p.Gly26601Ter; replaces glycine 26601 with a stop codon.
Molecular consequence: nonsense.
Genome position (GRCh38, 1-based): chr2:178,566,331, C>A on the plus strand (G>T on the coding strand, the complement: TTN is on the minus strand). VCF-style: chr2-178566331-C-A. GRCh37 (hg19) VCF-style: chr2-179431058-C-A.
Other names: c.74878G>T, p.Gly24960Ter (NM_001256850.1); c.52606G>T, p.Gly17536Ter (NM_003319.4); c.72097G>T, p.Gly24033Ter (NM_133378.4); c.52981G>T, p.Gly17661Ter (NM_133432.3); c.53182G>T, p.Gly17728Ter (NM_133437.4); short protein forms G17661*, G26601*, G17536*, G17728*, G24033*, G24960*.
Identifiers: ClinVar variation 943602 (VCV000943602.10), dbSNP rs773632027, ClinGen allele CA349593667.

ClinVar aggregate classification (germline): Likely pathogenic (1 of 4 stars; one submission).

Conditions:
Dilated cardiomyopathy 1G (CMD1G). Identifiers: Orphanet 154, MedGen C1858763, MONDO:0011400, OMIM 604145.
Autosomal recessive limb-girdle muscular dystrophy type 2J (LGMDR10). Also called: MUSCULAR DYSTROPHY, LIMB-GIRDLE, AUTOSOMAL RECESSIVE 10; Limb-girdle muscular dystrophy, type 2J. Identifiers: Orphanet 140922, MedGen C1837342, MONDO:0012127, OMIM 608807.

Submission:

Labcorp Genetics (formerly Invitae), Labcorp
Classification: Likely pathogenic for Dilated cardiomyopathy 1G; Autosomal recessive limb-girdle muscular dystrophy type 2J. Last evaluated: 2019-08-27. Review status: criteria provided, single submitter. Criteria: Invitae Variant Classification Sherloc (09022015). Collection method: clinical testing. Allele origin: germline.
Comment: This sequence change results in a premature translational stop signal in the TTN gene (p.Gly26601*). While this is not anticipated to result in nonsense mediated decay, it is expected to create a truncated TTN protein. This variant is not present in population databases (ExAC no frequency). This variant has not been reported in the literature in individuals with TTN-related conditions. In summary, the currently available evidence indicates that the variant is pathogenic, but additional data are needed to prove that conclusively. Therefore, this variant has been classified as Likely Pathogenic. This variant is located in the A band of TTN (PMID: 25589632). Truncating variants in this region are significantly overrepresented in patients affected with dilated cardiomyopathy (PMID: 25589632). Truncating variants in this region have also been reported in individuals affected with autosomal recessive centronuclear myopathy (PMID: 23975875).

Literature cited by the submitters: PubMed 25589632; PubMed 23975875.